The following is an entry in ClinVar:

NM_000507.4(FBP1):c.544del (p.Val182fs)

Gene: FBP1 (fructose-bisphosphatase 1; minus strand). Cytogenetic location: 9q22.32.
Variant type: Deletion.
Coding change: c.544del on transcript NM_000507.4 (MANE Select); coding-DNA position 544, one base deleted (G; older notation c.544delG).
Protein change: p.Val182fs; shifts the reading frame from valine 182.
Molecular consequence: frameshift variant.
Genome position (GRCh38, 1-based): chr9:94,609,944, C deleted on the plus strand (G on the coding strand, the reverse complement: FBP1 is on the minus strand); the first of 4 consecutive C bases (chr9:94,609,944-94,609,947); deleting any one gives the same sequence. VCF-style (leftmost placement, unchanged base first): chr9-94609943-AC-A. GRCh37 (hg19) VCF-style: chr9-97372225-AC-A.
Other names: c.544del, p.Val182fs (NM_001127628.2); short protein forms V182fs.
Identifiers: ClinVar variation 835572 (VCV000835572.9), dbSNP rs1827757538, ClinGen allele CA916083054.

ClinVar aggregate classification (germline): Pathogenic (1 of 4 stars; one submission).

Conditions:
Fructose-biphosphatase deficiency (FBP1D). Also called: Fructose 1,6 Bisphosphatase Deficiency; Fructose-1,6-Bisphosphatase 1 Deficiency; Fructose-1,6-Diphosphatase Deficiency. Identifiers: Orphanet 348, MedGen C0016756, MONDO:0009251, OMIM 229700.

Submission:

Labcorp Genetics (formerly Invitae), Labcorp
Classification: Pathogenic for Fructose-biphosphatase deficiency. Last evaluated: 2021-03-12. Review status: criteria provided, single submitter. Criteria: Invitae Variant Classification Sherloc (09022015). Collection method: clinical testing. Allele origin: germline.
Comment: This sequence change creates a premature translational stop signal (p.Val182Serfs*20) in the FBP1 gene. It is expected to result in an absent or disrupted protein product. This variant is not present in population databases (ExAC no frequency). Loss-of-function variants in FBP1 are known to be pathogenic (PMID: 9382095, 19259699, 27101822). For these reasons, this variant has been classified as Pathogenic.

Literature cited by the submitters: PubMed 9382095; PubMed 19259699; PubMed 27101822.